The following is an entry in ClinVar:

NM_002968.3(SALL1):c.1754C>T (p.Thr585Ile)

Gene: SALL1 (spalt like transcription factor 1; minus strand). Cytogenetic location: 16q12.1.
Variant type: single nucleotide variant.
Coding change: c.1754C>T on transcript NM_002968.3 (MANE Select); coding-DNA position 1754, C replaced by T.
Protein change: p.Thr585Ile; replaces threonine 585 with isoleucine.
Molecular consequence: missense variant.
Genome position (GRCh38, 1-based): chr16:51,140,468, G>A on the plus strand (C>T on the coding strand, the complement: SALL1 is on the minus strand). VCF-style: chr16-51140468-G-A. GRCh37 (hg19) VCF-style: chr16-51174379-G-A.
Other names: c.1463C>T, p.Thr488Ile (NM_001127892.2); short protein forms T585I, T488I.
Identifiers: ClinVar variation 2169252 (VCV002169252.4), dbSNP rs2506490347, ClinGen allele CA395887522.

ClinVar aggregate classification (germline): Uncertain significance (1 of 4 stars; one submission).

Conditions:
Townes syndrome (TBS). Also called: Townes-Brocks syndrome. Identifiers: Orphanet 857, MedGen C0265246, MeSH C536974, MONDO:0007142.

Allele frequency attached by ClinVar (database versions not stated): gnomAD exomes below 0.00001.
gnomAD v4.1: 1 of 1,613,800 alleles (0.000062%); highest among the groups gnomAD compares: Non-Finnish European, 0.000085%; no homozygotes.

Submission:

Labcorp Genetics (formerly Invitae), Labcorp
Classification: Uncertain significance for Townes syndrome. Last evaluated: 2022-06-08. Review status: criteria provided, single submitter. Criteria: Invitae Variant Classification Sherloc (09022015). Collection method: clinical testing. Allele origin: germline.
Comment: In summary, the available evidence is currently insufficient to determine the role of this variant in disease. Therefore, it has been classified as a Variant of Uncertain Significance. Algorithms developed to predict the effect of missense changes on protein structure and function (SIFT, PolyPhen-2, Align-GVGD) all suggest that this variant is likely to be tolerated. This variant has not been reported in the literature in individuals affected with SALL1-related conditions. This variant is not present in population databases (gnomAD no frequency). This sequence change replaces threonine, which is neutral and polar, with isoleucine, which is neutral and non-polar, at codon 585 of the SALL1 protein (p.Thr585Ile).